The following is an entry in ClinVar:

ClinVar aggregate classification (germline): Uncertain significance (1 of 4 stars; one submission).

Allele frequency attached by ClinVar (database versions not stated): gnomAD exomes 0.00001.
gnomAD v4.1: 8 of 1,614,036 alleles (0.0005%); highest among the groups gnomAD compares: Middle Eastern, 0.033%; no homozygotes.

Submission:

Labcorp Genetics (formerly Invitae), Labcorp
Classification: Uncertain significance. Last evaluated: 2024-12-04. Review status: criteria provided, single submitter. Criteria: Invitae Variant Classification Sherloc (09022015). Collection method: clinical testing. Allele origin: germline.
Comment: This sequence change affects codon 205 of the SEC61A1 mRNA. It is a 'silent' change, meaning that it does not change the encoded amino acid sequence of the SEC61A1 protein. It affects a nucleotide within the consensus splice site. This variant is not present in population databases (gnomAD no frequency). This variant has not been reported in the literature in individuals affected with SEC61A1-related conditions. ClinVar contains an entry for this variant (Variation ID: 2884480). Algorithms developed to predict the effect of sequence changes on RNA splicing suggest that this variant is not likely to affect RNA splicing. In summary, the available evidence is currently insufficient to determine the role of this variant in disease. Therefore, it has been classified as a Variant of Uncertain Significance.

NM_013336.4(SEC61A1):c.615A>C (p.Arg205=)

Gene: SEC61A1 (SEC61 translocon subunit alpha 1; plus strand). Cytogenetic location: 3q21.3.
Variant type: single nucleotide variant.
Coding change: c.615A>C on transcript NM_013336.4 (MANE Select); coding-DNA position 615, A replaced by C.
Protein change: p.Arg205=; no amino-acid change (arginine 205 retained).
Molecular consequence: synonymous variant.
Genome position (GRCh38, 1-based): chr3:128,060,660, A>C. VCF-style: chr3-128060660-A-C. GRCh37 (hg19) VCF-style: chr3-127779503-A-C.
Other names: c.633A>C, p.Arg211= (NM_001400328.1); c.456A>C, p.Arg152= (NM_001400329.1).
Identifiers: ClinVar variation 2884480 (VCV002884480.3), dbSNP rs1941837781, ClinGen allele CA435526204.